The following is an entry in ClinVar:

NM_057175.5(NAA15):c.55-2863G>C

Gene: NAA15 (N-alpha-acetyltransferase 15, NatA auxiliary subunit; plus strand). Cytogenetic location: 4q31.1.
Variant type: single nucleotide variant.
Coding change: c.55-2863G>C on transcript NM_057175.5 (MANE Select); 2863 bases into the intron before coding-DNA position 55, G replaced by C.
Molecular consequence: intron variant.
Genome position (GRCh38, 1-based): chr4:139,331,311, G>C. VCF-style: chr4-139331311-G-C. GRCh37 (hg19) VCF-style: chr4-140252465-G-C.
Identifiers: ClinVar variation 1696542 (VCV001696542.1), dbSNP rs2110888403, ClinGen allele CA2580071544.

ClinVar aggregate classification (germline): Uncertain significance (1 of 4 stars; one submission).

Conditions:
Intellectual developmental disorder, autosomal dominant 50, with behavioral abnormalities. Also called: Intellectual disability, autosomal dominant 50; MENTAL RETARDATION, AUTOSOMAL DOMINANT 50. Identifiers: MedGen C4540470, MONDO:0030916, OMIM 617787.

Submission:

New York Genome Center
Classification: Uncertain significance for Intellectual developmental disorder, autosomal dominant 50, with behavioral abnormalities. Last evaluated: 2021-07-16. Review status: criteria provided, single submitter. Criteria: NYGC Assertion Criteria 2020. Collection method: clinical testing. Allele origin: de novo. Observed: 1 heterozygote. Study: CSER-NYCKidSeq.
Comment: The de novo c.55-2863G>C variant identified in the NAA15 gene substitutes a conserved Glutamine for Cytosine at position -2863 within intron 1/19. This variant is absent from gnomAD(v3.1.1) suggesting it is not a common benign variant in the populations represented in that database. In silico algorithm SpliceAI does not predict an alteration to splicing (delta score: 0.00), and the Transcript inferred Pathogenicity (TraP) is 0.025 (25-50% score-percentile) suggesting it is not damaging to the transcript. This variant is absent from ClinVar and to our current knowledge has not been reported in affected individuals in the literature. While it is identified de novo in the affected individual and absent in population databases, the uncertainty regarding its functional consequence results in the classification of the de novo c.55-2863G>C variant identified in the NAA15 gene as a Variant of Uncertain Significance.